The following is an entry in ClinVar:

ClinVar aggregate classification (germline): Uncertain significance (1 of 4 stars; one submission).

Submission:

GeneDx
Classification: Uncertain significance. Last evaluated: 2025-06-24. Review status: criteria provided, single submitter. Criteria: GeneDx Variant Classification Process June 2021. Collection method: clinical testing. Allele origin: germline. Affected: yes.
Comment: Not observed at significant frequency in large population cohorts (gnomAD); In silico analysis supports that this missense variant has a deleterious effect on protein structure/function; Has not been previously published as pathogenic or benign to our knowledge

NM_015215.4(CAMTA1):c.3398A>G (p.Asp1133Gly)

Gene: CAMTA1 (calmodulin binding transcription activator 1; plus strand). Cytogenetic location: 1p36.23.
Variant type: single nucleotide variant.
Coding change: c.3398A>G on transcript NM_015215.4 (MANE Select); coding-DNA position 3398, A replaced by G.
Protein change: p.Asp1133Gly; replaces aspartic acid 1133 with glycine.
Molecular consequence: missense variant.
Genome position (GRCh38, 1-based): chr1:7,737,310, A>G. VCF-style: chr1-7737310-A-G. GRCh37 (hg19) VCF-style: chr1-7797370-A-G.
Other names: c.3308A>G, p.Asp1103Gly (NM_001349608.2, NM_001349612.2); c.3398A>G, p.Asp1133Gly (NM_001349609.2, NM_001349610.2, NM_001410737.1); c.527A>G, p.Asp176Gly (NM_001349613.1); c.470A>G, p.Asp157Gly (NM_001349614.1, NM_001349615.2, NM_001349616.2 and 10 more transcripts); c.3326A>G, p.Asp1109Gly (NM_001410738.1); short protein forms D1103G, D1109G, D1133G, D157G, D176G.
Identifiers: ClinVar variation 4540351 (VCV004540351.1).